The following is an entry in ClinVar:

ClinVar aggregate classification (germline): Conflicting classifications of pathogenicity. Review status: criteria provided, conflicting classifications (1 of 4 stars). 2 submissions from 2 submitters: Uncertain significance (1); Benign (1). Last evaluated 2024-11-11.

Conditions:
Kabuki syndrome. Also called: Kabuki make-up syndrome; NIIKAWA-KUROKI SYNDROME. Identifiers: Orphanet 2322, MedGen C0796004, MONDO:0016512.

gnomAD v4.1: 1 of 1,611,690 alleles (0.000062%); highest among the groups gnomAD compares: Admixed American, 0.0017%; no homozygotes.

Submissions (2):

Labcorp Genetics (formerly Invitae), Labcorp
Classification: Benign for Kabuki syndrome. Last evaluated: 2024-11-11. Review status: criteria provided, single submitter. Criteria: Invitae Variant Classification Sherloc (09022015). Collection method: clinical testing. Allele origin: germline.

GeneDx
Classification: Uncertain significance. Last evaluated: 2022-12-23. Review status: criteria provided, single submitter. Criteria: GeneDx Variant Classification Process June 2021. Collection method: clinical testing. Allele origin: germline. Affected: yes.
Comment: In silico analysis supports that this missense variant does not alter protein structure/function; Has not been previously published as pathogenic or benign to our knowledge

NM_003482.4(KMT2D):c.3316C>G (p.Pro1106Ala)

Gene: KMT2D (lysine methyltransferase 2D; minus strand). Cytogenetic location: 12q13.12.
Variant type: single nucleotide variant.
Coding change: c.3316C>G on transcript NM_003482.4 (MANE Select); coding-DNA position 3316, C replaced by G.
Protein change: p.Pro1106Ala; replaces proline 1106 with alanine.
Molecular consequence: missense variant.
Genome position (GRCh38, 1-based): chr12:49,050,272, G>C on the plus strand (C>G on the coding strand, the complement: KMT2D is on the minus strand). VCF-style: chr12-49050272-G-C. GRCh37 (hg19) VCF-style: chr12-49444055-G-C.
Other names: short protein forms P1106A.
Identifiers: ClinVar variation 2506748 (VCV002506748.4), dbSNP rs1323197030, ClinGen allele CA384657588.
Genomic context (GRCh38, chr12:49,050,272, plus strand): 5'-CCAGAGGGGCTGTGTCTTCCCCTAGGCCAGAGAAGTCATCCAGGGCTGGGGCAGGGCTGG[G>C]GGCGGGGCAGGAAAGGTCCCCCATTGGGGAAGGGAGAGGACTGGTGGCACTGGGTTCCAA-3'
Protein context (NP_003473.3, residues 1096-1116): SPMGDLSCPA[Pro1106Ala]SPAPALDDFS